The following is an entry in ClinVar:

NM_001163435.3(TBCK):c.1335C>T (p.Phe445=)

Gene: TBCK (TBC1 domain containing kinase; minus strand). Cytogenetic location: 4q24.
Variant type: single nucleotide variant.
Coding change: c.1335C>T on transcript NM_001163435.3 (MANE Select); coding-DNA position 1335, C replaced by T.
Protein change: p.Phe445=; no amino-acid change (phenylalanine 445 retained).
Molecular consequence: synonymous variant.
Genome position (GRCh38, 1-based): chr4:106,236,405, G>A on the plus strand (C>T on the coding strand, the complement: TBCK is on the minus strand). VCF-style: chr4-106236405-G-A. GRCh37 (hg19) VCF-style: chr4-107157562-G-A.
Other names: c.1335C>T, p.Phe445= (NM_001163436.4); c.1218C>T, p.Phe406= (NM_001163437.3); c.819C>T, p.Phe273= (NM_001290768.2); c.1146C>T, p.Phe382= (NM_033115.5).
Identifiers: ClinVar variation 787275 (VCV000787275.11), dbSNP rs147384249, ClinGen allele CA3035114.

ClinVar aggregate classification (germline): Benign/Likely benign. Review status: criteria provided, multiple submitters, no conflicts (2 of 4 stars). 3 submissions from 3 submitters: Benign (1); Likely benign (2). Last evaluated 2026-07-01.

Allele frequency attached by ClinVar (database versions not stated): gnomAD exomes 0.00042 and 0.00073; ExAC 0.00085; gnomAD 0.00272 and 0.00281; TOPMed 0.00276; ESP Exome Variant Server 0.00292; 1000 Genomes Project 0.00419; 1000 Genomes Project 30x 0.00422.
gnomAD v4.1: 989 of 1,514,268 alleles (0.065%); highest among the groups gnomAD compares: African/African-American, 0.83%; 3 homozygotes.

Submissions (3):

CeGaT Center for Human Genetics Tuebingen
Classification: Likely benign. Last evaluated: 2026-07-01. Review status: criteria provided, single submitter. Criteria: CeGaT Center For Human Genetics Tuebingen Variant Classification Criteria Version 2. Collection method: clinical testing. Allele origin: germline. Affected: yes. Observed: 2 variant alleles.
Comment: TBCK: BP4, BP7

Labcorp Genetics (formerly Invitae), Labcorp
Classification: Benign. Last evaluated: 2026-01-11. Review status: criteria provided, single submitter. Criteria: Invitae Variant Classification Sherloc (09022015). Collection method: clinical testing. Allele origin: germline.

Blueprint Genetics
Classification: Likely benign. Last evaluated: 2024-10-18. Review status: criteria provided, single submitter. Criteria: ACMG Guidelines, 2015. Collection method: clinical testing. Allele origin: germline.